The following is an entry in ClinVar:

NM_001868.4(CPA1):c.1022C>A (p.Ala341Asp)

Gene: CPA1 (carboxypeptidase A1; plus strand). Cytogenetic location: 7q32.2.
Variant type: single nucleotide variant.
Coding change: c.1022C>A on transcript NM_001868.4 (MANE Select); coding-DNA position 1022, C replaced by A.
Protein change: p.Ala341Asp; replaces alanine 341 with aspartic acid.
Molecular consequence: missense variant.
Genome position (GRCh38, 1-based): chr7:130,385,873, C>A. VCF-style: chr7-130385873-C-A. GRCh37 (hg19) VCF-style: chr7-130025714-C-A.
Other names: c.1022C>A (NM_001868.2); short protein forms A341D.
Identifiers: ClinVar variation 1486679 (VCV001486679.9), dbSNP rs1374839239, ClinGen allele CA369284038.
Genomic context (GRCh38, chr7:130,385,873, plus strand): 5'-GTGGCTTTGCTTGGTGTTTTGTCCAGGATCAGCTTTCCAAGGCTGCTGTGACAGCCCTGG[C>A]CTCTCTCTACGGGACCAAGTTCAACTATGGCAGCATCATCAAGGCAATTTGTAAGTGGCC-3'
Protein context (NP_001859.1, residues 331-351): QLSKAAVTAL[Ala341Asp]SLYGTKFNYG

ClinVar aggregate classification (germline): Uncertain significance. Review status: criteria provided, multiple submitters, no conflicts (2 of 4 stars). 2 submissions from 2 submitters: Uncertain significance (2). Last evaluated 2025-06-25.

Conditions:
Hereditary pancreatitis (PCTT). Also called: Hereditary chronic pancreatitis; PRSS1-Related Hereditary Pancreatitis. Identifiers: Orphanet 676, MedGen C0238339, MONDO:0008185, OMIM 167800.

Allele frequency attached by ClinVar (database versions not stated): gnomAD 0.00001; TOPMed 0.00001.
gnomAD v4.1: 2 of 1,614,028 alleles (0.00012%); highest among the groups gnomAD compares: African/African-American, 0.0027%; no homozygotes.

Submissions (2):

Ambry Genetics
Classification: Uncertain significance for Hereditary pancreatitis. Last evaluated: 2025-06-25. Review status: criteria provided, single submitter. Criteria: Ambry Variant Classification Scheme 2023. Collection method: clinical testing. Allele origin: germline.
Comment: The p.A341D variant (also known as c.1022C>A), located in coding exon 9 of the CPA1 gene, results from a C to A substitution at nucleotide position 1022. The alanine at codon 341 is replaced by aspartic acid, an amino acid with dissimilar properties. This amino acid position is conserved. In addition, this alteration is predicted to be tolerated by in silico analysis. Since supporting evidence is limited at this time, the clinical significance of this alteration remains unclear.

Labcorp Genetics (formerly Invitae), Labcorp
Classification: Uncertain significance. Last evaluated: 2022-02-07. Review status: criteria provided, single submitter. Criteria: Invitae Variant Classification Sherloc (09022015). Collection method: clinical testing. Allele origin: germline.
Comment: In summary, the available evidence is currently insufficient to determine the role of this variant in disease. Therefore, it has been classified as a Variant of Uncertain Significance. Algorithms developed to predict the effect of missense changes on protein structure and function (SIFT, PolyPhen-2, Align-GVGD) all suggest that this variant is likely to be tolerated. This variant has not been reported in the literature in individuals affected with CPA1-related conditions. This variant is not present in population databases (gnomAD no frequency). This sequence change replaces alanine, which is neutral and non-polar, with aspartic acid, which is acidic and polar, at codon 341 of the CPA1 protein (p.Ala341Asp).